The following is an entry in ClinVar:

ClinVar aggregate classification (germline): Uncertain significance. Review status: criteria provided, multiple submitters, no conflicts (2 of 4 stars). 2 submissions from 2 submitters: Uncertain significance (2). Last evaluated 2026-04-28.

Conditions:
CREBBP-related disorder. Also called: CREBBP-related condition; CREBBP-related disorders.

Submissions (2):

PreventionGenetics, part of Exact Sciences
Classification: Uncertain significance for CREBBP-related condition. Last evaluated: 2026-04-28. Review status: criteria provided, single submitter. Criteria: ACMG Guidelines, 2015. Collection method: clinical testing. Allele origin: germline.
Comment: The CREBBP c.38A>G variant is predicted to result in the amino acid substitution p.Lys13Arg. To our knowledge, this variant has not been reported in the literature or in a large population database (gnomAD), indicating this variant is rare. At this time, the clinical significance of this variant is uncertain due to the absence of conclusive functional and genetic evidence.

GeneDx
Classification: Uncertain significance. Last evaluated: 2019-02-14. Review status: criteria provided, single submitter. Criteria: GeneDx Variant Classification Process June 2021. Collection method: clinical testing. Allele origin: germline. Affected: yes.
Comment: Not observed in large population cohorts (Lek et al., 2016); In silico analysis, which includes protein predictors and evolutionary conservation, supports that this variant does not alter protein structure/function; Has not been previously published as pathogenic or benign to our knowledge

NM_004380.3(CREBBP):c.38A>G (p.Lys13Arg)

Genes: CREBBP (CREB binding lysine acetyltransferase; minus strand), LOC130058357 (ATAC-STARR-seq lymphoblastoid silent region 7141; plus strand). Cytogenetic location: 16p13.3.
Variant type: single nucleotide variant.
Coding change: c.38A>G on transcript NM_004380.3 (MANE Select); coding-DNA position 38, A replaced by G.
Protein change: p.Lys13Arg; replaces lysine 13 with arginine.
Molecular consequence: missense variant.
Genome position (GRCh38, 1-based): chr16:3,879,879, T>C on the plus strand (A>G on the coding strand, the complement: CREBBP is on the minus strand). VCF-style: chr16-3879879-T-C. GRCh37 (hg19) VCF-style: chr16-3929880-T-C.
Other names: c.38A>G, p.Lys13Arg (NM_001079846.1); short protein forms K13R.
Identifiers: ClinVar variation 1305562 (VCV001305562.3), dbSNP rs2141616347, ClinGen allele CA394567870.